The following is an entry in ClinVar:

ClinVar aggregate classification (germline): Uncertain significance (1 of 4 stars; one submission).

Conditions:
Inborn genetic diseases. Identifiers: MedGen C0950123, MeSH D030342.

Submission:

Ambry Genetics
Classification: Uncertain significance for Inborn genetic diseases. Last evaluated: 2026-03-11. Review status: criteria provided, single submitter. Criteria: Ambry Variant Classification Scheme 2023. Collection method: clinical testing. Allele origin: germline.
Comment: The p.P1078A variant (also known as c.3232C>G), located in coding exon 23 of the LTBP3 gene, results from a C to G substitution at nucleotide position 3232. The proline at codon 1078 is replaced by alanine, an amino acid with highly similar properties. This amino acid position is conserved. In addition, the in silico prediction for this alteration is inconclusive. Based on the available evidence, the clinical significance of this variant remains unclear.

NM_001130144.3(LTBP3):c.3232C>G (p.Pro1078Ala)

Genes: LTBP3 (latent transforming growth factor beta binding protein 3; minus strand), LOC121832793 (Sharpr-MPRA regulatory region 4001; plus strand). Cytogenetic location: 11q13.1.
Variant type: single nucleotide variant.
Coding change: c.3232C>G on transcript NM_001130144.3 (MANE Select); coding-DNA position 3232, C replaced by G.
Protein change: p.Pro1078Ala; replaces proline 1078 with alanine.
Molecular consequence: missense variant.
Genome position (GRCh38, 1-based): chr11:65,540,257, G>C on the plus strand (C>G on the coding strand, the complement: LTBP3 is on the minus strand). VCF-style: chr11-65540257-G-C. GRCh37 (hg19) VCF-style: chr11-65307728-G-C.
Other names: c.2881C>G, p.Pro961Ala (NM_001164266.1); c.3232C>G, p.Pro1078Ala (NM_021070.4); short protein forms P1078A, P961A.
Identifiers: ClinVar variation 4825735 (VCV004825735.1).